The following is an entry in ClinVar:

NM_001267550.2(TTN):c.21961+1G>C

Gene: TTN (titin; minus strand). Cytogenetic location: 2q31.2.
Variant type: single nucleotide variant.
Coding change: c.21961+1G>C on transcript NM_001267550.2 (MANE Select); the canonical splice donor site of the intron after coding-DNA position 21961, G replaced by C.
Molecular consequence: splice donor variant. On other transcripts: intron variant (3).
Genome position (GRCh38, 1-based): chr2:178,723,045, C>G on the plus strand (G>C on the coding strand, the complement: TTN is on the minus strand). VCF-style: chr2-178723045-C-G. GRCh37 (hg19) VCF-style: chr2-179587772-C-G.
Other names: c.13282+15037G>C (NM_003319.4); c.13858+15037G>C (NM_133437.4); c.13657+15037G>C (NM_133432.3); c.18229+1G>C (NM_133378.4); c.21010+1G>C (NM_001256850.1).
Identifiers: ClinVar variation 1037581 (VCV001037581.12), dbSNP rs2078690809, ClinGen allele CA349530027.

ClinVar aggregate classification (germline): Likely pathogenic (1 of 4 stars; one submission).

Conditions:
Dilated cardiomyopathy 1G (CMD1G). Identifiers: Orphanet 154, MedGen C1858763, MONDO:0011400, OMIM 604145.
Autosomal recessive limb-girdle muscular dystrophy type 2J (LGMDR10). Also called: Limb-girdle muscular dystrophy, type 2J; MUSCULAR DYSTROPHY, LIMB-GIRDLE, AUTOSOMAL RECESSIVE 10. Identifiers: Orphanet 140922, MedGen C1837342, MONDO:0012127, OMIM 608807.

Submission:

Labcorp Genetics (formerly Invitae), Labcorp
Classification: Likely pathogenic for Dilated cardiomyopathy 1G; Autosomal recessive limb-girdle muscular dystrophy type 2J. Last evaluated: 2024-10-18. Review status: criteria provided, single submitter. Criteria: Invitae Variant Classification Sherloc (09022015). Collection method: clinical testing. Allele origin: germline.
Comment: This sequence change affects a donor splice site in intron 75 of the TTN gene. It is expected to disrupt RNA splicing and likely results in a truncated or disrupted TTN protein. This variant is not present in population databases (gnomAD no frequency). This variant has not been reported in the literature in individuals affected with TTN-related conditions. ClinVar contains an entry for this variant (Variation ID: 1037581). Algorithms developed to predict the effect of sequence changes on RNA splicing suggest that this variant may disrupt the consensus splice site. This variant is located in the I band of TTN (PMID: 25589632). Truncating variants in this region have been reported in individuals affected with autosomal recessive centronuclear myopathy (PMID: 23975875, internal data). Truncating variants in this region have also been identified in individuals affected with autosomal dominant dilated cardiomyopathy and/or cardio-related conditions (PMID: 27869827, 32964742, internal data). In summary, the currently available evidence indicates that the variant is pathogenic, but additional data are needed to prove that conclusively. Therefore, this variant has been classified as Likely Pathogenic.

Literature cited by the submitters: PubMed 25589632; PubMed 23975875; PubMed 27869827; PubMed 32964742.